The following is an entry in ClinVar:

ClinVar aggregate classification (germline): Pathogenic/Likely pathogenic. Review status: criteria provided, multiple submitters, no conflicts (2 of 4 stars). 5 submissions from 5 submitters: Pathogenic (3); Likely pathogenic (1). 1 of the submissions does not count toward it. Last evaluated 2025-09-29.

Conditions:
Achromatopsia 2 (ACHM2). Also called: COLORBLINDNESS, TOTAL; ROD MONOCHROMACY 2; ROD MONOCHROMATISM 2. Identifiers: Orphanet 49382, MedGen C1857618, MONDO:0009003, OMIM 216900.

Allele frequency attached by ClinVar (database versions not stated): gnomAD 0.00001.
gnomAD v4.1: 1 of 1,614,058 alleles (0.000062%); highest among the groups gnomAD compares: East Asian, 0.0022%; no homozygotes.

Submissions (5):

Dasa
Classification: Likely pathogenic. Last evaluated: 2025-09-29. Review status: criteria provided, single submitter. Criteria: DASA Assertion Criteria. Collection method: clinical testing. Allele origin: germline.
Comment: NM_001298.3(CNGA3):c.1717T>C (p.Tyr573His) is a missense variant that results in the substitution of tyrosine with histidine. The affected residue or protein region has prior evidence supporting clinical relevance. This variant has been reported in individuals with CNGA3-related disorders (PMID: 35332618). Also, this variant is rare in population databases. Computational evidence supports a deleterious effect. Based on the currently available evidence, this variant is classified as likely pathogenic.

Women's Health and Genetics/Laboratory Corporation of America, LabCorp
Classification: Pathogenic for Achromatopsia 2. Last evaluated: 2025-03-31. Review status: criteria provided, single submitter. Criteria: LabCorp Variant Classification Summary - May 2015. Collection method: clinical testing. Allele origin: germline.
Comment: Variant summary: CNGA3 c.1717T>C (p.Tyr573His) results in a conservative amino acid change located in the Cyclic nucleotide-binding domain (IPR000595) of the encoded protein sequence. Four of five in-silico tools predict a damaging effect of the variant on protein function. The variant was absent in 251344 control chromosomes. c.1717T>C has been reported in the literature in multiple individuals affected with Achromatopsia 2 (Solaki_2022, Amaral_2023, Invitae). These data indicate that the variant is very likely to be associated with disease. To our knowledge, no experimental evidence demonstrating an impact on protein function has been reported. The following publications have been ascertained in the context of this evaluation (PMID: 37372476, 35332618). ClinVar contains an entry for this variant (Variation ID: 1064475). Based on the evidence outlined above, the variant was classified as pathogenic.

Labcorp Genetics (formerly Invitae), Labcorp
Classification: Pathogenic. Last evaluated: 2024-04-25. Review status: criteria provided, single submitter. Criteria: Invitae Variant Classification Sherloc (09022015). Collection method: clinical testing. Allele origin: germline.
Comment: This sequence change replaces tyrosine, which is neutral and polar, with histidine, which is basic and polar, at codon 573 of the CNGA3 protein (p.Tyr573His). This variant is present in population databases (no rsID available, gnomAD 0.06%). This missense change has been observed in individual(s) with clinical features of achromatopsia (PMID: 35332618; Invitae). In at least one individual the data is consistent with being in trans (on the opposite chromosome) from a pathogenic variant. ClinVar contains an entry for this variant (Variation ID: 1064475). Advanced modeling of protein sequence and biophysical properties (such as structural, functional, and spatial information, amino acid conservation, physicochemical variation, residue mobility, and thermodynamic stability) performed at Invitae indicates that this missense variant is expected to disrupt CNGA3 protein function with a positive predictive value of 95%. This variant disrupts the p.Tyr573 amino acid residue in CNGA3. Other variant(s) that disrupt this residue have been observed in individuals with CNGA3-related conditions (PMID: 11536077; Invitae), which suggests that this may be a clinically significant amino acid residue. For these reasons, this variant has been classified as Pathogenic.

Mendelics
Classification: Pathogenic for Achromatopsia 2. Last evaluated: 2022-05-04. Review status: criteria provided, single submitter. Criteria: Mendelics Assertion Criteria 2019. Collection method: clinical testing. Allele origin: germline.

Molecular Genetics Laboratory, Institute for Ophthalmic Research
Classification: Likely pathogenic for Achromatopsia 2. Last evaluated: 2021-04-15. Review status: no assertion criteria provided. Collection method: research. Allele origin: germline. Affected: yes. Not counted in ClinVar's aggregate classification.

Literature cited by the submitters: PubMed 11536077 (cited by Dasa and Labcorp Genetics (formerly Invitae), Labcorp); PubMed 35332618 (cited by 3 submitters); PubMed 37372476 (cited by Women's Health and Genetics/Laboratory Corporation of America, LabCorp).

NM_001298.3(CNGA3):c.1717T>C (p.Tyr573His)

Gene: CNGA3 (cyclic nucleotide gated channel subunit alpha 3; plus strand). Cytogenetic location: 2q11.2.
Variant type: single nucleotide variant.
Coding change: c.1717T>C on transcript NM_001298.3 (MANE Select); coding-DNA position 1717, T replaced by C.
Protein change: p.Tyr573His; replaces tyrosine 573 with histidine.
Molecular consequence: missense variant.
Genome position (GRCh38, 1-based): chr2:98,396,887, T>C. VCF-style: chr2-98396887-T-C. GRCh37 (hg19) VCF-style: chr2-99013350-T-C.
Other names: c.1663T>C, p.Tyr555His (NM_001079878.2); short protein forms Y555H, Y573H.
Identifiers: ClinVar variation 1064475 (VCV001064475.11), dbSNP rs1330420689, ClinGen allele CA347834136.